The following is an entry in ClinVar:

NM_001378454.1(ALMS1):c.8564_8565delinsAG (p.Gly2855Glu)

Gene: ALMS1 (ALMS1 centrosome and basal body associated protein; plus strand). Cytogenetic location: 2p13.1.
Variant type: Indel.
Coding change: c.8564_8565delinsAG on transcript NM_001378454.1 (MANE Select); coding-DNA positions 8564 to 8565, GA replaced by AG.
Protein change: p.Gly2855Glu; replaces glycine 2855 with glutamic acid.
Molecular consequence: missense variant.
Genome position (GRCh38, 1-based): chr2:73,490,523-73,490,524, GA replaced by AG. VCF-style: chr2-73490523-GA-AG. GRCh37 (hg19) VCF-style: chr2-73717650-GA-AG.
Other names: c.8567_8568delinsAG, p.Gly2856Glu (NM_015120.4); short protein forms G2856E, G2855E.
Identifiers: ClinVar variation 2131413 (VCV002131413.4), dbSNP rs2466216530, ClinGen allele CA2580068264.

ClinVar aggregate classification (germline): Uncertain significance (1 of 4 stars; one submission).

Conditions:
Alstrom syndrome (ALMS). Identifiers: Orphanet 64, MedGen C0268425, MONDO:0008763, OMIM 203800.

Submission:

Labcorp Genetics (formerly Invitae), Labcorp
Classification: Uncertain significance for Alstrom syndrome. Last evaluated: 2022-04-28. Review status: criteria provided, single submitter. Criteria: Invitae Variant Classification Sherloc (09022015). Collection method: clinical testing. Allele origin: germline.
Comment: In summary, the available evidence is currently insufficient to determine the role of this variant in disease. Therefore, it has been classified as a Variant of Uncertain Significance. Experimental studies and prediction algorithms are not available or were not evaluated, and the functional significance of this variant is currently unknown. This variant has not been reported in the literature in individuals affected with ALMS1-related conditions. Information on the frequency of this variant in the gnomAD database is not available, as this variant may be reported differently in the database. This sequence change replaces glycine, which is neutral and non-polar, with glutamic acid, which is acidic and polar, at codon 2856 of the ALMS1 protein (p.Gly2856Glu).